The following is an entry in ClinVar:

NM_004360.5(CDH1):c.1565+5del

Gene: CDH1 (cadherin 1; plus strand). Cytogenetic location: 16q22.1.
Variant type: Deletion.
Coding change: c.1565+5del on transcript NM_004360.5 (MANE Select); 5 bases into the intron after coding-DNA position 1565, one base deleted (G; older notation c.1565+5delG).
Molecular consequence: intron variant.
Genome position (GRCh38, 1-based): chr16:68,815,764, G deleted. VCF-style (leftmost placement, unchanged base first): chr16-68815763-AG-A. GRCh37 (hg19) VCF-style: chr16-68849666-AG-A.
Other names: c.1565+5del (LRG_301t1); c.17+5del (NM_001317185.2); c.-255+5del (NM_001317186.2); c.1382+5del (NM_001317184.2).
Identifiers: ClinVar variation 532453 (VCV000532453.7), dbSNP rs1555516205, ClinGen allele CA658798623.

ClinVar aggregate classification (germline): Uncertain significance (1 of 4 stars; one submission).

Conditions:
Hereditary diffuse gastric adenocarcinoma (HDGC). Also called: DIFFUSE GASTRIC AND LOBULAR BREAST CANCER SYNDROME. Identifiers: Orphanet 26106, MedGen C1708349, MONDO:0007648, OMIM 137215.

Submission:

Labcorp Genetics (formerly Invitae), Labcorp
Classification: Uncertain significance for Hereditary diffuse gastric adenocarcinoma. Last evaluated: 2017-10-11. Review status: criteria provided, single submitter. Criteria: Invitae Variant Classification Sherloc (09022015). Collection method: clinical testing. Allele origin: germline.
Comment: This variant is not present in population databases (ExAC no frequency). This variant has not been reported in the literature in individuals with CDH1-related disease. Nucleotide substitutions within the consensus splice site are a relatively common cause of aberrant splicing (PMID: 17576681, 9536098). Algorithms developed to predict the effect of sequence changes on RNA splicing suggest that this variant may disrupt the consensus splice site, but this prediction has not been confirmed by published transcriptional studies. In summary, the available evidence is currently insufficient to determine the role of this variant in disease. Therefore, it has been classified as a Variant of Uncertain Significance. This sequence change falls in intron 10 of the CDH1 gene. It does not directly change the encoded amino acid sequence of the CDH1 protein, but it affects a nucleotide within the consensus splice site of the intron.

Literature cited by the submitters: PubMed 17576681; PubMed 9536098.